The following is an entry in ClinVar:

NM_000057.4(BLM):c.955C>T (p.Leu319Phe)

Gene: BLM (BLM RecQ like helicase; plus strand). Cytogenetic location: 15q26.1.
Variant type: single nucleotide variant.
Coding change: c.955C>T on transcript NM_000057.4 (MANE Select); coding-DNA position 955, C replaced by T.
Protein change: p.Leu319Phe; replaces leucine 319 with phenylalanine.
Molecular consequence: missense variant. On other transcripts: 5 prime UTR variant (1).
Genome position (GRCh38, 1-based): chr15:90,751,942, C>T. VCF-style: chr15-90751942-C-T. GRCh37 (hg19) VCF-style: chr15-91295172-C-T.
Other names: c.955C>T, p.Leu319Phe (NM_001287246.2, NM_001287247.2); c.-337C>T (NM_001287248.2); c.955C>T (NM_000057.2); short protein forms L319F.
Identifiers: ClinVar variation 584505 (VCV000584505.16), dbSNP rs1567036793, ClinGen allele CA393841958.

ClinVar aggregate classification (germline): Conflicting classifications of pathogenicity. Review status: criteria provided, conflicting classifications (1 of 4 stars). 5 submissions from 5 submitters: Uncertain significance (3); Likely benign (1). 1 of the submissions does not count toward it. Last evaluated 2025-01-07.

Conditions:
Bloom syndrome (BLM). Also called: Bloom-Torre-Machacek syndrome. Identifiers: Orphanet 125, MedGen C0005859, MONDO:0008876, OMIM 210900.
Hereditary cancer-predisposing syndrome. Also called: Neoplastic Syndromes, Hereditary; Hereditary Cancer Syndrome; Tumor predisposition; Hereditary neoplastic syndrome. Identifiers: Orphanet 140162, MedGen C0027672, MeSH D009386, MONDO:0015356.

Allele frequency attached by ClinVar (database versions not stated): gnomAD exomes below 0.00001.
gnomAD v4.1: 1 of 1,608,156 alleles (0.000062%); highest among the groups gnomAD compares: Non-Finnish European, 0.000085%; no homozygotes.

Submissions (5):

Labcorp Genetics (formerly Invitae), Labcorp
Classification: Uncertain significance for Bloom syndrome. Last evaluated: 2025-01-07. Review status: criteria provided, single submitter. Criteria: Invitae Variant Classification Sherloc (09022015). Collection method: clinical testing. Allele origin: germline.
Comment: This sequence change replaces leucine, which is neutral and non-polar, with phenylalanine, which is neutral and non-polar, at codon 319 of the BLM protein (p.Leu319Phe). This variant is not present in population databases (gnomAD no frequency). This variant has not been reported in the literature in individuals affected with BLM-related conditions. ClinVar contains an entry for this variant (Variation ID: 584505). Invitae Evidence Modeling of protein sequence and biophysical properties (such as structural, functional, and spatial information, amino acid conservation, physicochemical variation, residue mobility, and thermodynamic stability) indicates that this missense variant is not expected to disrupt BLM protein function with a negative predictive value of 80%. In summary, the available evidence is currently insufficient to determine the role of this variant in disease. Therefore, it has been classified as a Variant of Uncertain Significance.

Fulgent Genetics
Classification: Uncertain significance for Bloom syndrome. Last evaluated: 2024-06-18. Review status: criteria provided, single submitter. Criteria: ACMG Guidelines, 2015. Collection method: clinical testing. Allele origin: germline.

Ambry Genetics
Classification: Likely benign for Hereditary cancer-predisposing syndrome. Last evaluated: 2021-01-07. Review status: criteria provided, single submitter. Criteria: Ambry Variant Classification Scheme 2023. Collection method: clinical testing. Allele origin: germline.

GeneKor MSA
Classification: Uncertain significance for Hereditary cancer-predisposing syndrome. Last evaluated: 2018-08-01. Review status: criteria provided, single submitter. Criteria: ACMG Guidelines, 2015. Collection method: clinical testing. Allele origin: germline.

Natera, Inc.
Classification: Uncertain significance for Bloom syndrome. Last evaluated: 2021-05-21. Review status: no assertion criteria provided. Collection method: clinical testing. Allele origin: germline. Not counted in ClinVar's aggregate classification.